The following is an entry in ClinVar:

NM_004974.4(KCNA2):c.695G>C (p.Trp232Ser)

Gene: KCNA2 (potassium voltage-gated channel subfamily A member 2; minus strand). Cytogenetic location: 1p13.3.
Variant type: single nucleotide variant.
Coding change: c.695G>C on transcript NM_004974.4 (MANE Select); coding-DNA position 695, G replaced by C.
Protein change: p.Trp232Ser; replaces tryptophan 232 with serine.
Molecular consequence: missense variant.
Genome position (GRCh38, 1-based): chr1:110,604,088, C>G on the plus strand (G>C on the coding strand, the complement: KCNA2 is on the minus strand). VCF-style: chr1-110604088-C-G. GRCh37 (hg19) VCF-style: chr1-111146710-C-G.
Other names: c.695G>C, p.Trp232Ser (NM_001204269.2); c.695G>C (NM_004974.3); short protein forms W232S.
Identifiers: ClinVar variation 639637 (VCV000639637.12), dbSNP rs1570753354, ClinGen allele CA341603417.

ClinVar aggregate classification (germline): Uncertain significance. Review status: criteria provided, multiple submitters, no conflicts (2 of 4 stars). 3 submissions from 3 submitters: Uncertain significance (3). Last evaluated 2026-03-26.

Conditions:
Developmental and epileptic encephalopathy, 32 (DEE32). Also called: Epileptic encephalopathy, early infantile, 32. Identifiers: Orphanet 442835, MedGen C4225350, MONDO:0014607, OMIM 616366.

Submissions (3):

Institute of Human Genetics, University of Leipzig Medical Center
Classification: Uncertain significance for Developmental and epileptic encephalopathy, 32. Last evaluated: 2026-03-26. Review status: criteria provided, single submitter. Criteria: ACMG Guidelines, 2015. Collection method: clinical testing. Allele origin: unknown. Inheritance: Autosomal dominant inheritance. Affected: yes.
Comment: Criteria applied: PM2,PM5_SUP,PP2,PP3

Labcorp Genetics (formerly Invitae), Labcorp
Classification: Uncertain significance for Developmental and epileptic encephalopathy, 32. Last evaluated: 2024-09-21. Review status: criteria provided, single submitter. Criteria: Invitae Variant Classification Sherloc (09022015). Collection method: clinical testing. Allele origin: germline.
Comment: This sequence change replaces tryptophan, which is neutral and slightly polar, with serine, which is neutral and polar, at codon 232 of the KCNA2 protein (p.Trp232Ser). This variant is not present in population databases (gnomAD no frequency). This variant has not been reported in the literature in individuals affected with KCNA2-related conditions. This missense change has been observed in at least one individual who was not affected with KCNA2-related conditions (internal data). ClinVar contains an entry for this variant (Variation ID: 639637). Invitae Evidence Modeling of protein sequence and biophysical properties (such as structural, functional, and spatial information, amino acid conservation, physicochemical variation, residue mobility, and thermodynamic stability) indicates that this missense variant is expected to disrupt KCNA2 protein function with a positive predictive value of 80%. In summary, the available evidence is currently insufficient to determine the role of this variant in disease. Therefore, it has been classified as a Variant of Uncertain Significance.

GeneDx
Classification: Uncertain significance. Last evaluated: 2024-01-18. Review status: criteria provided, single submitter. Criteria: GeneDx Variant Classification Process June 2021. Collection method: clinical testing. Allele origin: germline. Affected: yes.
Comment: Not observed at significant frequency in large population cohorts (gnomAD); In silico analysis supports that this missense variant has a deleterious effect on protein structure/function; Has not been previously published as pathogenic or benign to our knowledge